The following is an entry in ClinVar:

NM_001286611.2(REPS1):c.2080A>C (p.Thr694Pro)

Gene: REPS1 (RALBP1 associated Eps domain containing 1; minus strand). Cytogenetic location: 6q24.1.
Variant type: single nucleotide variant.
Coding change: c.2080A>C on transcript NM_001286611.2 (MANE Select); coding-DNA position 2080, A replaced by C.
Protein change: p.Thr694Pro; replaces threonine 694 with proline.
Molecular consequence: missense variant.
Genome position (GRCh38, 1-based): chr6:138,908,804, T>G on the plus strand (A>C on the coding strand, the complement: REPS1 is on the minus strand). VCF-style: chr6-138908804-T-G. GRCh37 (hg19) VCF-style: chr6-139229941-T-G.
Other names: c.1999A>C, p.Thr667Pro (NM_001128617.3); c.1807A>C, p.Thr603Pro (NM_001286612.2); c.2077A>C, p.Thr693Pro (NM_031922.5); short protein forms T603P, T667P, T693P, T694P.
Identifiers: ClinVar variation 4798658 (VCV004798658.1).
Genomic context (GRCh38, chr6:138,908,804, plus strand): 5'-TTAATTCATCTTCTGATTTTAATCTTCTTCGAACAGGTTTAGGTGGTGGAGCAAGTGGTG[T>G]TGTGCCTTTGCTCTTTAAGACAAGAATTCCATTAATAATAAGCATTTTTGAAGACATTCA-3'
Protein context (NP_001273540.1, residues 684-704): SAPANVSKGT[Thr694Pro]PLAPPPKPVR

ClinVar aggregate classification (germline): Uncertain significance (1 of 4 stars; one submission).

gnomAD v4.1: 48 of 1,613,484 alleles (0.003%); highest among the groups gnomAD compares: Middle Eastern, 0.016%; no homozygotes.

Submission:

Labcorp Genetics (formerly Invitae), Labcorp
Classification: Uncertain significance. Last evaluated: 2025-06-18. Review status: criteria provided, single submitter. Criteria: Invitae Variant Classification Sherloc (09022015). Collection method: clinical testing. Allele origin: germline.
Comment: This sequence change replaces threonine, which is neutral and polar, with proline, which is neutral and non-polar, at codon 694 of the REPS1 protein (p.Thr694Pro). This variant is present in population databases (rs761430281, gnomAD 0.003%). This variant has not been reported in the literature in individuals affected with REPS1-related conditions. Invitae Evidence Modeling of protein sequence and biophysical properties (such as structural, functional, and spatial information, amino acid conservation, physicochemical variation, residue mobility, and thermodynamic stability) indicates that this missense variant is not expected to disrupt REPS1 protein function with a negative predictive value of 80%. In summary, the available evidence is currently insufficient to determine the role of this variant in disease. Therefore, it has been classified as a Variant of Uncertain Significance.